The following is an entry in ClinVar:

NM_020318.3(PAPPA2):c.2637C>T (p.Ser879=)

Gene: PAPPA2 (pappalysin 2; plus strand). Cytogenetic location: 1q25.2.
Variant type: single nucleotide variant.
Coding change: c.2637C>T on transcript NM_020318.3 (MANE Select); coding-DNA position 2637, C replaced by T.
Protein change: p.Ser879=; no amino-acid change (serine 879 retained).
Molecular consequence: synonymous variant.
Genome position (GRCh38, 1-based): chr1:176,695,750, C>T. VCF-style: chr1-176695750-C-T. GRCh37 (hg19) VCF-style: chr1-176664886-C-T.
Identifiers: ClinVar variation 789155 (VCV000789155.29), dbSNP rs138677844, ClinGen allele CA1257604.

ClinVar aggregate classification (germline): Benign/Likely benign. Review status: criteria provided, multiple submitters, no conflicts (2 of 4 stars). 4 submissions from 4 submitters: Benign (3); Likely benign (1). Last evaluated 2026-05-12.

Allele frequency attached by ClinVar (database versions not stated): 1000 Genomes Project 30x 0.00219; 1000 Genomes Project 0.00260; gnomAD 0.00519; TOPMed 0.00525; ESP Exome Variant Server 0.00621; gnomAD exomes 0.00697.
gnomAD v4.1: 10,915 of 1,614,020 alleles (0.68%); highest among the groups gnomAD compares: Non-Finnish European, 0.82%; 34 homozygotes.

Submissions (4):

Women's Health and Genetics/Laboratory Corporation of America, LabCorp
Classification: Benign. Last evaluated: 2026-05-12. Review status: criteria provided, single submitter. Criteria: LabCorp Variant Classification Summary - May 2015. Collection method: clinical testing. Allele origin: germline.

CeGaT Center for Human Genetics Tuebingen
Classification: Likely benign. Last evaluated: 2023-03-01. Review status: criteria provided, single submitter. Criteria: CeGaT Center For Human Genetics Tuebingen Variant Classification Criteria Version 2. Collection method: clinical testing. Allele origin: germline. Affected: yes. Observed: 3 variant alleles.
Comment: PAPPA2: BP4, BP7, BS2

Labcorp Genetics (formerly Invitae), Labcorp
Classification: Benign. Last evaluated: 2018-07-06. Review status: criteria provided, single submitter. Criteria: Invitae Variant Classification Sherloc (09022015). Collection method: clinical testing. Allele origin: germline.

Breakthrough Genomics
Classification: Benign. Review status: criteria provided, single submitter. Criteria: ACMG Guidelines, 2015. Collection method: not provided. Allele origin: germline. Inheritance: Autosomal recessive inheritance. Affected: yes.